The following is an entry in ClinVar:

ClinVar aggregate classification (germline): Uncertain significance (1 of 4 stars; one submission).

Conditions:
Malignant hyperthermia, susceptibility to, 5 (MHS5). Also called: CACNA1S-Related Malignant Hyperthermia Susceptibility. Identifiers: Orphanet 423, MedGen C1866077, MONDO:0011163, OMIM 601887.

Submission:

Color Diagnostics, LLC DBA Color Health
Classification: Uncertain significance for Malignant hyperthermia, susceptibility to, 5. Last evaluated: 2025-08-30. Review status: criteria provided, single submitter. Criteria: ACMG Guidelines, 2015. Collection method: clinical testing. Allele origin: germline.
Comment: This missense variant replaces asparagine with lysine at codon 547 of the CACNA1S protein. Computational prediction suggests that this variant may have deleterious impact on protein structure and function. To our knowledge, functional studies have not been reported for this variant. This variant has not been reported in individuals affected with CACNA1S-related disorders in the literature. This variant has not been identified in the general population by the Genome Aggregation Database (gnomAD). The available evidence is insufficient to determine the role of this variant in disease conclusively. Therefore, this variant is classified as a Variant of Uncertain Significance.

NM_000069.3(CACNA1S):c.1641C>A (p.Asn547Lys)

Gene: CACNA1S (calcium voltage-gated channel subunit alpha1 S; minus strand). Cytogenetic location: 1q32.1.
Variant type: single nucleotide variant.
Coding change: c.1641C>A on transcript NM_000069.3 (MANE Select); coding-DNA position 1641, C replaced by A.
Protein change: p.Asn547Lys; replaces asparagine 547 with lysine.
Molecular consequence: missense variant.
Genome position (GRCh38, 1-based): chr1:201,077,106, G>T on the plus strand (C>A on the coding strand, the complement: CACNA1S is on the minus strand). VCF-style: chr1-201077106-G-T. GRCh37 (hg19) VCF-style: chr1-201046234-G-T.
Other names: short protein forms N547K.
Identifiers: ClinVar variation 4757960 (VCV004757960.1).